The following is an entry in ClinVar:

ClinVar aggregate classification (germline): Likely benign (1 of 4 stars; one submission).

Conditions:
Leigh syndrome (NULS). Also called: Leigh's necrotizing encephalopathy; Leigh's disease; Leigh Syndrome (mtDNA deletion); Leigh Disease; Subacute necrotizing encephalopathy; Necrotizing encephalopathy infantile subacute of Leigh. Identifiers: Orphanet 506, MedGen C2931891, MONDO:0009723, OMIM 256000.

Submission:

Wong Mito Lab, Molecular and Human Genetics, Baylor College of Medicine
Classification: Likely benign for Leigh syndrome. Last evaluated: 2019-10-17. Review status: criteria provided, single submitter. Criteria: Modified ACMG Guidelines (Unpublished). Collection method: clinical testing. Allele origin: germline.
Comment: The NC_012920.1:m.8461C>A (YP_003024030.1:p.Asn32Lys) variant in MTATP8 gene is interpretated to be a Likely Benign variant based on the modified ACMG guidelines (unpublished). This variant meets the following evidence codes: BS4, BP5

NC_012920.1(MT-ATP8):m.8461C>A

Gene: MT-ATP8 (mitochondrially encoded ATP synthase 8; plus strand).
Variant type: single nucleotide variant.
Genome position: chrM-8461-C-A.
Identifiers: ClinVar variation 692863 (VCV000692863.1), dbSNP rs1603221493, ClinGen allele CA414796194.
Genomic context (GRCh38, chrMT:8,461, plus strand): 5'-AATTACCCCCATACTCCTTACACTATTCCTCATCACCCAACTAAAAATATTAAACACAAA[C>A]TACCACCTACCTCCCTCACCAAAGCCCATAAAAATAAAAAATTATAACAAACCCTGAGAA-3'